The following is an entry in ClinVar:

ClinVar aggregate classification (germline): Uncertain significance (1 of 4 stars; one submission).

Allele frequency attached by ClinVar (database versions not stated): gnomAD exomes below 0.00001.
gnomAD v4.1: 1 of 1,613,922 alleles (0.000062%); highest among the groups gnomAD compares: Non-Finnish European, 0.000085%; no homozygotes.

Submission:

GeneDx
Classification: Uncertain significance. Last evaluated: 2014-08-22. Review status: criteria provided, single submitter. Criteria: GeneDx Variant Classification (06012015). Collection method: clinical testing. Allele origin: germline. Affected: yes.
Comment: p.Val1858Gly (GTG>GGG): c.5573 T>G in exon 39 of the MYH11 gene (NM_002474.2). A variant of unknown significance has been identified in the MYH11 gene. The V1858G variant has not been published as a mutation, nor has it been reported as a benign polymorphism to our knowledge. The V1858G variant was not observed in approximately 6,500 individuals of European and African American ancestry in the NHLBI Exome Sequencing Project, indicating it is not a common benign variant in these populations. In silico analysis predicts this variant is probably damaging to the protein structure/function. Additionally, this substitution occurs at a position that is conserved across species. However, the V1858G variant is a conservative amino acid substitution, which is not likely to impact secondary protein structure as these residues share similar properties. Furthermore, there are no missense mutations in nearby residues reported in association with TAAD, indicating that this region of the protein may be tolerant of change. Therefore, based on the currently available information, it is unclear whether this variant is a pathogenic mutation or a rare benign variant.The variant is found in TAAD panel(s).

NM_002474.3(MYH11):c.5573T>G (p.Val1858Gly)

Genes: MYH11 (myosin heavy chain 11; minus strand), NDE1 (nudE neurodevelopment protein 1; plus strand). Cytogenetic location: 16p13.11.
Variant type: single nucleotide variant.
Coding change: c.5573T>G on transcript NM_002474.3 (MANE Select); coding-DNA position 5573, T replaced by G.
Protein change: p.Val1858Gly; replaces valine 1858 with glycine.
Molecular consequence: missense variant. On other transcripts: intron variant (2).
Genome position (GRCh38, 1-based): chr16:15,715,204, A>C on the plus strand (T>G on the coding strand, the complement: MYH11 is on the minus strand). VCF-style: chr16-15715204-A-C. GRCh37 (hg19) VCF-style: chr16-15809061-A-C.
Other names: p.V1858G:GTG>GGG; c.5594T>G, p.Val1865Gly (NM_001040113.2, NM_001040114.2); c.5573T>G, p.Val1858Gly (NM_022844.3); c.948-8987A>C (NM_001143979.2, NM_017668.3); short protein forms V1858G, V1865G.
Identifiers: ClinVar variation 201087 (VCV000201087.2), dbSNP rs794728670, ClinGen allele CA306604.